The following is an entry in ClinVar:

ClinVar aggregate classification (germline): Likely benign (1 of 4 stars; one submission).

gnomAD v4.1: 269 of 152,188 alleles (0.18%); highest among the groups gnomAD compares: South Asian, 0.56%; 4 homozygotes.

Submission:

CeGaT Center for Human Genetics Tuebingen
Classification: Likely benign. Last evaluated: 2026-03-01. Review status: criteria provided, single submitter. Criteria: CeGaT Center For Human Genetics Tuebingen Variant Classification Criteria Version 2. Collection method: clinical testing. Allele origin: germline. Affected: yes. Observed: 2 variant alleles.
Comment: ATXN8OS: BS2

NR_185835.1(ATXN8OS):n.1231A>G

Gene: ATXN8OS (ATXN8 opposite strand lncRNA; plus strand). Cytogenetic location: 13q21.33.
Variant type: single nucleotide variant.
Molecular consequence: non-coding transcript variant (on NR_185835.1).
Genome position: GRCh38 VCF-style: chr13-70164865-A-G. GRCh37 (hg19) VCF-style: chr13-70738997-A-G.
Identifiers: ClinVar variation 4085064 (VCV004085064.8).
Genomic context (GRCh38, chr13:70,164,865, plus strand): 5'-TTCTAGAAAATGATTGCTCCATGATGAGCTTCCTATATTCAACTATGTGCAATAACTGAA[A>G]ATAAAAGAATTGTGGAAAATTTCTAAAAATGTTGCACAGAAAATAGGAAAAAGGAAAATA-3'